The following is an entry in ClinVar:

NM_000383.4(AIRE):c.348G>A (p.Pro116=)

Gene: AIRE (autoimmune regulator; plus strand). Cytogenetic location: 21q22.3.
Variant type: single nucleotide variant.
Coding change: c.348G>A on transcript NM_000383.4 (MANE Select); coding-DNA position 348, G replaced by A.
Protein change: p.Pro116=; no amino-acid change (proline 116 retained).
Molecular consequence: synonymous variant.
Genome position (GRCh38, 1-based): chr21:44,287,018, G>A. VCF-style: chr21-44287018-G-A. GRCh37 (hg19) VCF-style: chr21-45706901-G-A.
Other names: p.Pro116=.
Identifiers: ClinVar variation 458618 (VCV000458618.39), dbSNP rs74162060, ClinGen allele CA10051536.
Genomic context (GRCh38, chr21:44,287,018, plus strand): 5'-CTCCTGCCCCTGAGCTGCAGATGTGGACCTCAGCCAGCCCCGGAAGGGGAGGAAGCCCCC[G>A]GCCGTCCCCAAGGCTTTGGTACCGCCACCCAGACTCCCCACCAAGAGGAAGGCCTCAGAA-3'
Protein context (NP_000374.1, residues 106-126): LSQPRKGRKP[Pro116=]AVPKALVPPP

ClinVar aggregate classification (germline): Benign/Likely benign. Review status: criteria provided, multiple submitters, no conflicts (2 of 4 stars). 5 submissions from 5 submitters: Benign (3); Likely benign (2). Last evaluated 2026-02-02.

Conditions:
Polyglandular autoimmune syndrome, type 1 (APS1). Also called: PGA I; Autoimmune polyendocrine syndrome type 1; AUTOIMMUNE POLYENDOCRINE SYNDROME, TYPE I, WITH OR WITHOUT REVERSIBLE METAPHYSEAL DYSPLASIA; HYPOADRENOCORTICISM WITH HYPOPARATHYROIDISM AND SUPERFICIAL MONILIASIS; Autoimmune polyendocrinopathy syndrome, type I; Autoimmune polyendocrinopathy syndrome , type I, with or without reversible metaphyseal dysplasia. Identifiers: Orphanet 3453, MedGen C0085859, MONDO:0009411, OMIM 240300.

Allele frequency attached by ClinVar (database versions not stated): 1000 Genomes Project 0.00020; 1000 Genomes Project 30x 0.00047; TOPMed 0.00055; ESP Exome Variant Server 0.00062; gnomAD 0.00066 and 0.00071; gnomAD exomes 0.00081.

Submissions (5):

Labcorp Genetics (formerly Invitae), Labcorp
Classification: Benign for Polyglandular autoimmune syndrome, type 1. Last evaluated: 2026-02-02. Review status: criteria provided, single submitter. Criteria: Invitae Variant Classification Sherloc (09022015). Collection method: clinical testing. Allele origin: germline.

Mayo Clinic Laboratories, Mayo Clinic
Classification: Benign. Last evaluated: 2025-06-05. Review status: criteria provided, single submitter. Criteria: ACMG Guidelines, 2015. Collection method: clinical testing. Allele origin: germline. Observed: 2 variant alleles.
Comment: BS1, BS2, BP4, BP7

Blueprint Genetics
Classification: Likely benign. Last evaluated: 2024-11-21. Review status: criteria provided, single submitter. Criteria: ACMG Guidelines, 2015. Collection method: clinical testing. Allele origin: germline.

CeGaT Center for Human Genetics Tuebingen
Classification: Likely benign. Last evaluated: 2022-11-01. Review status: criteria provided, single submitter. Criteria: CeGaT Center For Human Genetics Tuebingen Variant Classification Criteria Version 2. Collection method: clinical testing. Allele origin: germline. Affected: yes. Observed: 1 variant allele.
Comment: AIRE: BP4, BP7

GeneDx
Classification: Benign. Last evaluated: 2015-03-03. Review status: criteria provided, single submitter. Criteria: GeneDx Variant Classification Process June 2021. Collection method: clinical testing. Allele origin: germline. Affected: yes.